The following is an entry in ClinVar:

ClinVar aggregate classification (germline): Pathogenic (0 of 4 stars; one submission).

Conditions:
Fanconi anemia complementation group D2. Also called: FANCD2-Related Fanconi Anemia; FANCONI PANCYTOPENIA, TYPE 4; FANCONI ANEMIA, COMPLEMENTATION GROUP D. Identifiers: Orphanet 84, MedGen C3160738, MONDO:0009214, OMIM 227646.

Submission:

Leiden Open Variation Database
Classification: Pathogenic for Fanconi anemia complementation group D2. Last evaluated: 2020-02-28. Review status: no assertion criteria provided. Collection method: curation. Allele origin: germline. Affected: yes.
Comment: Curator: Arleen D. Auerbach. Submitter to LOVD: Arleen D. Auerbach.

Literature cited by the submitters: PubMed 23613520; PubMed 25168418.

NC_000003.12:g.(10049506_10052386)_(10052498_10060293)del

Gene: FANCD2 (FA complementation group D2; plus strand). Cytogenetic location: 3p25.3.
Variant type: Deletion.
Identifiers: ClinVar variation 929658 (VCV000929658.1).